The following is an entry in ClinVar:

NM_002335.4(LRP5):c.1318A>G (p.Ile440Val)

Gene: LRP5 (LDL receptor related protein 5; plus strand). Cytogenetic location: 11q13.2.
Variant type: single nucleotide variant.
Coding change: c.1318A>G on transcript NM_002335.4 (MANE Select); coding-DNA position 1318, A replaced by G.
Protein change: p.Ile440Val; replaces isoleucine 440 with valine.
Molecular consequence: missense variant. On other transcripts: 5 prime UTR variant (1).
Genome position (GRCh38, 1-based): chr11:68,386,618, A>G. VCF-style: chr11-68386618-A-G. GRCh37 (hg19) VCF-style: chr11-68154086-A-G.
Other names: c.-448A>G (NM_001291902.2); short protein forms I440V.
Identifiers: ClinVar variation 3604777 (VCV003604777.2).
Genomic context (GRCh38, chr11:68,386,618, plus strand): 5'-GGCATCGCGGTCGACTGGGTGGCCCGAAACCTCTACTGGACCGACACGGGCACGGACCGC[A>G]TCGAGGTGACGCGCCTCAACGGCACCTCCCGCAAGATCCTGGTGTCGGAGGACCTGGACG-3'
Protein context (NP_002326.2, residues 430-450): LYWTDTGTDR[Ile440Val]EVTRLNGTSR

ClinVar aggregate classification (germline): Uncertain significance (1 of 4 stars; one submission).

gnomAD v4.1: 3 of 1,613,648 alleles (0.00019%); highest among the groups gnomAD compares: Admixed American, 0.005%; no homozygotes.

Submission:

Labcorp Genetics (formerly Invitae), Labcorp
Classification: Uncertain significance. Last evaluated: 2024-07-08. Review status: criteria provided, single submitter. Criteria: Invitae Variant Classification Sherloc (09022015). Collection method: clinical testing. Allele origin: germline.
Comment: This sequence change replaces isoleucine, which is neutral and non-polar, with valine, which is neutral and non-polar, at codon 440 of the LRP5 protein (p.Ile440Val). This variant is present in population databases (rs201779301, gnomAD 0.003%). This variant has not been reported in the literature in individuals affected with LRP5-related conditions. Advanced modeling of protein sequence and biophysical properties (such as structural, functional, and spatial information, amino acid conservation, physicochemical variation, residue mobility, and thermodynamic stability) has been performed at Invitae for this missense variant, however the output from this modeling did not meet the statistical confidence thresholds required to predict the impact of this variant on LRP5 protein function. In summary, the available evidence is currently insufficient to determine the role of this variant in disease. Therefore, it has been classified as a Variant of Uncertain Significance.